The following is an entry in ClinVar:

NM_031844.3(HNRNPU):c.674C>G (p.Pro225Arg)

Gene: HNRNPU (heterogeneous nuclear ribonucleoprotein U; minus strand). Cytogenetic location: 1q44.
Variant type: single nucleotide variant.
Coding change: c.674C>G on transcript NM_031844.3 (MANE Select); coding-DNA position 674, C replaced by G.
Protein change: p.Pro225Arg; replaces proline 225 with arginine.
Molecular consequence: missense variant. On other transcripts: intron variant (1).
Genome position (GRCh38, 1-based): chr1:244,863,634, G>C on the plus strand (C>G on the coding strand, the complement: HNRNPU is on the minus strand). VCF-style: chr1-244863634-G-C. GRCh37 (hg19) VCF-style: chr1-245026936-G-C.
Other names: c.634+40C>G (NM_004501.3); c.674C>G (NM_031844.2); short protein forms P225R.
Identifiers: ClinVar variation 1595959 (VCV001595959.9), dbSNP rs1429007292, ClinGen allele CA345496037.
Genomic context (GRCh38, chr1:244,863,634, plus strand): 5'-GCGCGGGCCTCCCGCCGCGCGCAACGTACAACGCAGCACTCACCCGCCGCCGGAGCCCCG[G>C]GGCGACCGCCGCCTCCGCCGCCTTCCGCCTTCTTCTTACCTCCCGCCTGCTGCTGGCCCT-3'
Protein context (NP_114032.2, residues 215-235): KAEGGGGGGR[Pro225Arg]GAPAAGDGKT

ClinVar aggregate classification (germline): Conflicting classifications of pathogenicity. Review status: criteria provided, conflicting classifications (1 of 4 stars). 2 submissions from 2 submitters: Uncertain significance (1); Likely benign (1). Last evaluated 2024-08-21.

Conditions:
Developmental and epileptic encephalopathy, 54. Also called: Epileptic encephalopathy, early infantile, 54; HNRNPU-Related Neurodevelopmental Disorder. Identifiers: MedGen C4479319, MONDO:0033363, OMIM 617391.

Allele frequency attached by ClinVar (database versions not stated): TOPMed 0.00001.
gnomAD v4.1: 1 of 1,541,934 alleles (0.000065%); highest among the groups gnomAD compares: Non-Finnish European, 0.000086%; no homozygotes.

Submissions (2):

GeneDx
Classification: Uncertain significance. Last evaluated: 2024-08-21. Review status: criteria provided, single submitter. Criteria: GeneDx Variant Classification Process June 2021. Collection method: clinical testing. Allele origin: germline. Affected: yes.
Comment: Not observed at significant frequency in large population cohorts (gnomAD); In silico analysis indicates that this missense variant does not alter protein structure/function; Has not been previously published as pathogenic or benign to our knowledge

Labcorp Genetics (formerly Invitae), Labcorp
Classification: Likely benign for Developmental and epileptic encephalopathy, 54. Last evaluated: 2024-04-16. Review status: criteria provided, single submitter. Criteria: Invitae Variant Classification Sherloc (09022015). Collection method: clinical testing. Allele origin: germline.